The following is an entry in ClinVar:

ClinVar aggregate classification (germline): Uncertain significance (1 of 4 stars; one submission).

Submission:

Ambry Genetics
Classification: Uncertain significance. Last evaluated: 2024-06-28. Review status: criteria provided, single submitter. Criteria: Ambry Variant Classification Scheme 2023. Collection method: clinical testing. Allele origin: germline.
Comment: The p.R1333G variant (also known as c.3997C>G), located in coding exon 9 of the MLH3 gene, results from a C to G substitution at nucleotide position 3997. The arginine at codon 1333 is replaced by glycine, an amino acid with dissimilar properties. This amino acid position is conserved. In addition, the in silico prediction for this alteration is inconclusive. Based on the available evidence, the clinical significance of this variant remains unclear.

NM_001040108.2(MLH3):c.3997C>G (p.Arg1333Gly)

Gene: MLH3 (mutL homolog 3; minus strand). Cytogenetic location: 14q24.3.
Variant type: single nucleotide variant.
Coding change: c.3997C>G on transcript NM_001040108.2 (MANE Select); coding-DNA position 3997, C replaced by G.
Protein change: p.Arg1333Gly; replaces arginine 1333 with glycine.
Molecular consequence: missense variant.
Genome position (GRCh38, 1-based): chr14:75,023,009, G>C on the plus strand (C>G on the coding strand, the complement: MLH3 is on the minus strand). VCF-style: chr14-75023009-G-C. GRCh37 (hg19) VCF-style: chr14-75489712-G-C.
Other names: c.3925C>G, p.Arg1309Gly (NM_014381.3); short protein forms R1309G, R1333G.
Identifiers: ClinVar variation 3396655 (VCV003396655.1).
Genomic context (GRCh38, chr14:75,023,009, plus strand): 5'-TGTGTGGTGCTTCTGTGTGAAACCCCAAAATAAAGGAAAAGCTTACCTCCAGTTGTTCTC[G>C]GATAAATTCCTGCAAAGCAAAAGGAAAATCGGCTTTAATCTACGGTTATGTTTTACTTGC-3'
Protein context (NP_001035197.1, residues 1323-1343): VTKSIVEEFI[Arg1333Gly]EQLELLQTTG